The following is an entry in ClinVar:

NM_021930.6(RINT1):c.2282C>T (p.Thr761Ile)

Genes: EFCAB10 (EF-hand calcium binding domain 10; minus strand), RINT1 (RAD50 interactor 1; plus strand). Cytogenetic location: 7q22.3.
Variant type: single nucleotide variant.
Coding change: c.2282C>T on transcript NM_021930.6 (MANE Select); coding-DNA position 2282, C replaced by T.
Protein change: p.Thr761Ile; replaces threonine 761 with isoleucine.
Molecular consequence: missense variant. On other transcripts: 3 prime UTR variant (2), non-coding transcript variant (1), intron variant (3).
Genome position (GRCh38, 1-based): chr7:105,567,214, C>T. VCF-style: chr7-105567214-C-T. GRCh37 (hg19) VCF-style: chr7-105207661-C-T.
Other names: c.*240G>A (NM_001355527.2, NM_001355529.2); c.2048C>T, p.Thr683Ile (NM_001346599.2); c.1259C>T, p.Thr420Ile (NM_001346600.2, NM_001346603.2); c.1358C>T, p.Thr453Ile (NM_001346601.2); c.360-1767G>A (NM_001355531.2); c.383+253G>A (NM_001355526.2, NM_001355530.2); short protein forms T420I, T683I, T453I, T761I.
Identifiers: ClinVar variation 1788958 (VCV001788958.3), dbSNP rs2133497005, ClinGen allele CA368815548.
Genomic context (GRCh38, chr7:105,567,214, plus strand): 5'-TCGGTTCTGCACTACTGCTGAAAGATGTACTGCAGTCAGCTTCAGGGCAGCTTCCTGCCA[C>T]AGCAGCATTAAATGAAGTTGGAATTTACAAACTGGCTCAACAAGATGTTGAGATTCTACT-3'
Protein context (NP_068749.3, residues 751-771): LQSASGQLPA[Thr761Ile]AALNEVGIYK

ClinVar aggregate classification (germline): Uncertain significance (1 of 4 stars; one submission).

Submission:

Ambry Genetics
Classification: Uncertain significance. Last evaluated: 2024-05-17. Review status: criteria provided, single submitter. Criteria: Ambry Variant Classification Scheme 2023. Collection method: clinical testing. Allele origin: germline.
Comment: The p.T761I variant (also known as c.2282C>T), located in coding exon 15 of the RINT1 gene, results from a C to T substitution at nucleotide position 2282. The threonine at codon 761 is replaced by isoleucine, an amino acid with similar properties. This amino acid position is conserved. In addition, this alteration is predicted to be tolerated by in silico analysis. Since supporting evidence is limited at this time, the clinical significance of this alteration remains unclear.